The following is an entry in ClinVar:

NM_000038.6(APC):c.3529A>C (p.Ile1177Leu)

Gene: APC (APC regulator of Wnt signaling pathway; plus strand). Cytogenetic location: 5q22.2.
Variant type: single nucleotide variant.
Coding change: c.3529A>C on transcript NM_000038.6 (MANE Select); coding-DNA position 3529, A replaced by C.
Protein change: p.Ile1177Leu; replaces isoleucine 1177 with leucine.
Molecular consequence: missense variant.
Genome position (GRCh38, 1-based): chr5:112,839,123, A>C. VCF-style: chr5-112839123-A-C. GRCh37 (hg19) VCF-style: chr5-112174820-A-C.
Other names: c.3529A>C, p.Ile1177Leu (NM_001127510.3, NM_001354895.2); c.3475A>C, p.Ile1159Leu (NM_001127511.3); c.3583A>C, p.Ile1195Leu (NM_001354896.2); c.3559A>C, p.Ile1187Leu (NM_001354897.2); c.3454A>C, p.Ile1152Leu (NM_001354898.2); c.3445A>C, p.Ile1149Leu (NM_001354899.2); c.3406A>C, p.Ile1136Leu (NM_001354900.2); c.3352A>C, p.Ile1118Leu (NM_001354901.2); and 5 more; short protein forms I1152L, I894L, I1118L, I1159L, I1177L, I1187L, I1017L, I1051L.
Identifiers: ClinVar variation 946749 (VCV000946749.13), dbSNP rs369834416, ClinGen allele CA16029085.
Genomic context (GRCh38, chr5:112,839,123, plus strand): 5'-GAGAGACCAACAAATTATAGCATAAAATATAATGAAGAGAAACGTCATGTGGATCAGCCT[A>C]TTGATTATAGTTTAAAATATGCCACAGATATTCCTTCATCACAGAAACAGTCATTTTCAT-3'
Protein context (NP_000029.2, residues 1167-1187): NEEKRHVDQP[Ile1177Leu]DYSLKYATDI

ClinVar aggregate classification (germline): Uncertain significance. Review status: criteria provided, multiple submitters, no conflicts (2 of 4 stars). 2 submissions from 2 submitters: Uncertain significance (2). Last evaluated 2023-02-10.

Conditions:
Familial adenomatous polyposis 1 (FAP1). Also called: FAMILIAL ADENOMATOUS POLYPOSIS 1, ATTENUATED; POLYPOSIS, ADENOMATOUS INTESTINAL. Identifiers: MedGen C2713442, MONDO:0021056, OMIM 175100. Disease mechanism: loss of function.
Hereditary cancer-predisposing syndrome. Also called: Hereditary neoplastic syndrome; Neoplastic Syndromes, Hereditary; Tumor predisposition; Hereditary Cancer Syndrome. Identifiers: Orphanet 140162, MedGen C0027672, MeSH D009386, MONDO:0015356.

Submissions (2):

Ambry Genetics
Classification: Uncertain significance for Hereditary cancer-predisposing syndrome. Last evaluated: 2023-02-10. Review status: criteria provided, single submitter. Criteria: Ambry Variant Classification Scheme 2023. Collection method: clinical testing. Allele origin: germline.
Comment: The p.I1177L variant (also known as c.3529A>C), located in coding exon 15 of the APC gene, results from an A to C substitution at nucleotide position 3529. The isoleucine at codon 1177 is replaced by leucine, an amino acid with highly similar properties. This amino acid position is conserved. In addition, in silico predictors for this gene do not accurately predict pathogenicity. Since supporting evidence is limited at this time, the clinical significance of this alteration remains unclear.

Labcorp Genetics (formerly Invitae), Labcorp
Classification: Uncertain significance for Familial adenomatous polyposis 1. Last evaluated: 2023-01-28. Review status: criteria provided, single submitter. Criteria: Invitae Variant Classification Sherloc (09022015). Collection method: clinical testing. Allele origin: germline.
Comment: This variant has not been reported in the literature in individuals affected with APC-related conditions. This variant is not present in population databases (gnomAD no frequency). This sequence change replaces isoleucine, which is neutral and non-polar, with leucine, which is neutral and non-polar, at codon 1177 of the APC protein (p.Ile1177Leu). ClinVar contains an entry for this variant (Variation ID: 946749). In summary, the available evidence is currently insufficient to determine the role of this variant in disease. Therefore, it has been classified as a Variant of Uncertain Significance. Advanced modeling of protein sequence and biophysical properties (such as structural, functional, and spatial information, amino acid conservation, physicochemical variation, residue mobility, and thermodynamic stability) performed at Invitae indicates that this missense variant is not expected to disrupt APC protein function.